The following is an entry in ClinVar:

ClinVar aggregate classification (germline): Conflicting classifications of pathogenicity. Review status: criteria provided, conflicting classifications (1 of 4 stars). 10 submissions from 10 submitters: Uncertain significance (2); Benign (5); Likely benign (3). Last evaluated 2026-07-01.

Conditions:
Hereditary spastic paraplegia 30. Identifiers: Orphanet 101010, MedGen C5235139, MONDO:0012476.
Neuropathy, hereditary sensory, type 2C. Also called: Hereditary sensory and autonomic neuropathy type IIC; KIF1A-Related HSAN2 (HSAN2C). Identifiers: Orphanet 970, MedGen C3280168, MONDO:0013634, OMIM 614213.
Intellectual disability, autosomal dominant 9 (NESCAVS). Also called: NESCAV SYNDROME; KIF1A-Related Neurodevelopmental Disorder. Identifiers: Orphanet 662367, MedGen C5393830, MONDO:0013656, OMIM 614255.
Hereditary spastic paraplegia. Also called: Familial spastic paraparesis. Identifiers: Orphanet 685, MedGen C0037773, MONDO:0019064. Disease mechanism: loss of function.

Allele frequency attached by ClinVar (database versions not stated): ExAC 0.00097; 1000 Genomes Project 30x 0.00281; gnomAD 0.00298 and 0.00324; 1000 Genomes Project 0.00300; TOPMed 0.00345; ESP Exome Variant Server 0.00414; gnomAD exomes 0.00080.
gnomAD v4.1: 921 of 1,612,806 alleles (0.057%); highest among the groups gnomAD compares: African/African-American, 1%; 6 homozygotes.

Submissions (10):

CeGaT Center for Human Genetics Tuebingen
Classification: Likely benign. Last evaluated: 2026-07-01. Review status: criteria provided, single submitter. Criteria: CeGaT Center For Human Genetics Tuebingen Variant Classification Criteria Version 2. Collection method: clinical testing. Allele origin: germline. Affected: yes. Observed: 5 variant alleles.
Comment: KIF1A: BP4, BS1

Labcorp Genetics (formerly Invitae), Labcorp
Classification: Benign for Hereditary spastic paraplegia 30; Neuropathy, hereditary sensory, type 2C; Intellectual disability, autosomal dominant 9. Last evaluated: 2026-02-03. Review status: criteria provided, single submitter. Criteria: Invitae Variant Classification Sherloc (09022015). Collection method: clinical testing. Allele origin: germline.

Mayo Clinic Laboratories, Mayo Clinic
Classification: Benign. Last evaluated: 2025-10-01. Review status: criteria provided, single submitter. Criteria: ACMG Guidelines, 2015. Collection method: clinical testing. Allele origin: germline. Observed: 3 variant alleles.
Comment: BA1, BP4, BP7

Blueprint Genetics
Classification: Likely benign. Last evaluated: 2024-10-07. Review status: criteria provided, single submitter. Criteria: ACMG Guidelines, 2015. Collection method: clinical testing. Allele origin: germline.

ARUP Laboratories, Molecular Genetics and Genomics, ARUP Laboratories
Classification: Benign. Last evaluated: 2024-08-29. Review status: criteria provided, single submitter. Criteria: ARUP Molecular Germline Variant Investigation Process 2024. Collection method: clinical testing. Allele origin: germline.

Athena Diagnostics
Classification: Benign. Last evaluated: 2019-01-17. Review status: criteria provided, single submitter. Criteria: Athena Diagnostics Criteria. Collection method: clinical testing. Allele origin: germline.

Illumina Laboratory Services, Illumina
Classification: Uncertain significance for Spastic paraplegia 30A, autosomal dominant. Last evaluated: 2018-01-13. Review status: criteria provided, single submitter. Criteria: ICSL Variant Classification Criteria 13 December 2019. Collection method: clinical testing. Allele origin: germline.

GeneDx
Classification: Likely benign. Last evaluated: 2017-12-28. Review status: criteria provided, single submitter. Criteria: GeneDx Variant Classification (06012015). Collection method: clinical testing. Allele origin: germline. Affected: yes.
Comment: This variant is considered likely benign or benign based on one or more of the following criteria: it is a conservative change, it occurs at a poorly conserved position in the protein, it is predicted to be benign by multiple in silico algorithms, and/or has population frequency not consistent with disease.

Genetic Services Laboratory, University of Chicago
Classification: Benign. Last evaluated: 2017-08-25. Review status: criteria provided, single submitter. Criteria: ACMG Guidelines, 2015. Collection method: clinical testing. Allele origin: germline. Affected: no.

Genome Diagnostics Laboratory, The Hospital for Sick Children
Classification: Uncertain significance for Hereditary spastic paraplegia. Last evaluated: 2016-12-12. Review status: criteria provided, single submitter. Criteria: ACMG Guidelines, 2015. Collection method: clinical testing. Allele origin: germline. Affected: yes.

NM_001244008.2(KIF1A):c.183+7C>T

Gene: KIF1A (kinesin family member 1A; minus strand). Cytogenetic location: 2q37.3.
Variant type: single nucleotide variant.
Coding change: c.183+7C>T on transcript NM_001244008.2 (MANE Select); 7 bases into the intron after coding-DNA position 183, C replaced by T.
Molecular consequence: intron variant.
Genome position (GRCh38, 1-based): chr2:240,789,229, G>A on the plus strand (C>T on the coding strand, the complement: KIF1A is on the minus strand). VCF-style: chr2-240789229-G-A. GRCh37 (hg19) VCF-style: chr2-241728646-G-A.
Other names: p.?; c.183+7C>T (NM_001379653.1, NM_001379650.1, NM_001379645.1 and 20 more transcripts).
Identifiers: ClinVar variation 335285 (VCV000335285.49), dbSNP rs74469870, ClinGen allele CA2208888.